The following is an entry in ClinVar:

ClinVar aggregate classification (germline): Likely pathogenic (1 of 4 stars; one submission).

Conditions:
FRAXE. Also called: Intellectual disability, X-linked, FRAXE type; Fragile XE syndrome; FRAXE Syndrome; FRAXE intellectual disability; Intellectual developmental disorder, X-linked 109. Identifiers: Orphanet 100973, MedGen C0751157, MONDO:0010659, OMIM 309548. Disease mechanism: loss of function.

Submission:

MVZ Medizinische Genetik Mainz
Classification: Likely pathogenic for FRAXE. Last evaluated: 2025-07-30. Review status: criteria provided, single submitter. Criteria: UK Practice Guidelines For Variant Classification V4 01 2020. Collection method: clinical testing. Allele origin: germline. Inheritance: X-linked dominant inheritance. Affected: yes. Observed: 1 variant allele.
Comment: ACMG Criteria: PVS1,PM2_SUP

NM_002025.4(AFF2):c.3489_3490dup (p.Ser1164fs)

Gene: AFF2 (ALF transcription elongation factor 2; plus strand). Cytogenetic location: Xq28.
Variant type: Duplication.
Coding change: c.3489_3490dup on transcript NM_002025.4 (MANE Select); coding-DNA positions 3489 to 3490, 2 bases duplicated (AT; older notation c.3489_3490dupAT).
Protein change: p.Ser1164fs; shifts the reading frame from serine 1164.
Molecular consequence: frameshift variant.
Genome position (GRCh38, 1-based): chrX:148,978,374-148,978,375, AT duplicated; duplicating any 2 consecutive bases within chrX:148,978,373-148,978,375 gives the same sequence; the c. name uses the placement nearest the transcript's 3' end. VCF-style (leftmost placement, unchanged base first): chrX-148978372-T-TTA. GRCh37 (hg19) VCF-style: chrX-148059902-T-TTA.
Other names: c.3384_3385dup, p.Ser1129fs (NM_001169122.2, NM_001169124.2); c.3459_3460dup, p.Ser1154fs (NM_001169123.2); c.3372_3373dup, p.Ser1125fs (NM_001169125.2); c.2412_2413dup, p.Ser805fs (NM_001170628.1); short protein forms S1125fs, S1129fs, S1154fs, S1164fs, S805fs.
Identifiers: ClinVar variation 4077095 (VCV004077095.1).